The following is an entry in ClinVar:

NM_006946.4(SPTBN2):c.4964T>C (p.Ile1655Thr)

Gene: SPTBN2 (spectrin beta, non-erythrocytic 2; minus strand). Cytogenetic location: 11q13.2.
Variant type: single nucleotide variant.
Coding change: c.4964T>C on transcript NM_006946.4 (MANE Select); coding-DNA position 4964, T replaced by C.
Protein change: p.Ile1655Thr; replaces isoleucine 1655 with threonine.
Molecular consequence: missense variant.
Genome position (GRCh38, 1-based): chr11:66,692,991, A>G on the plus strand (T>C on the coding strand, the complement: SPTBN2 is on the minus strand). VCF-style: chr11-66692991-A-G. GRCh37 (hg19) VCF-style: chr11-66460462-A-G.
Other names: c.4985T>C, p.Ile1662Thr (NM_001411025.1); short protein forms I1655T, I1662T.
Identifiers: ClinVar variation 1878343 (VCV001878343.1), dbSNP rs2495946753, ClinGen allele CA381468420.
Genomic context (GRCh38, chr11:66,692,991, plus strand): 5'-CTCCACCCCCAGGCTGGGCCGGGCTGCCGCTGCACCCACCTCTCTGGGTGCTCGTGGTCA[A>G]TCATGTCCTGGCTGCTGGCCGCCAGCTGGTGGATGGTCTGCGCGTAGTCGGCCAGGGCTT-3'
Protein context (NP_008877.2, residues 1645-1665): HQLAASSQDM[Ile1655Thr]DHEHPESTRI

ClinVar aggregate classification (germline): Uncertain significance (1 of 4 stars; one submission).

Allele frequency attached by ClinVar (database versions not stated): gnomAD exomes below 0.00001.
gnomAD v4.1: 1 of 1,608,292 alleles (0.000062%); highest among the groups gnomAD compares: South Asian, 0.0011%; no homozygotes.

Submission:

Women's Health and Genetics/Laboratory Corporation of America, LabCorp
Classification: Uncertain significance. Last evaluated: 2022-12-19. Review status: criteria provided, single submitter. Criteria: LabCorp Variant Classification Summary - May 2015. Collection method: clinical testing. Allele origin: germline.
Comment: Variant summary: SPTBN2 c.4964T>C (p.Ile1655Thr) results in a non-conservative amino acid change in the encoded protein sequence. Three of five in-silico tools predict a damaging effect of the variant on protein function. The variant was absent in 247780 control chromosomes (gnomAD). The available data on variant occurrences in the general population are insufficient to allow any conclusion about variant significance. To our knowledge, no occurrence of c.4964T>C in individuals affected with Spinocerebellar Ataxia 5 and no experimental evidence demonstrating its impact on protein function have been reported. No clinical diagnostic laboratories have submitted clinical-significance assessments for this variant to ClinVar after 2014. Based on the evidence outlined above, the variant was classified as uncertain significance.